The following is an entry in ClinVar:

NM_144997.7(FLCN):c.1188del (p.Val397fs)

Gene: FLCN (folliculin; minus strand). Cytogenetic location: 17p11.2.
Variant type: Deletion.
Coding change: c.1188del on transcript NM_144997.7 (MANE Select); coding-DNA position 1188, one base deleted (C; older notation c.1188delC).
Protein change: p.Val397fs; shifts the reading frame from valine 397.
Molecular consequence: frameshift variant.
Genome position (GRCh38, 1-based): chr17:17,216,492, G deleted on the plus strand (C on the coding strand, the reverse complement: FLCN is on the minus strand); the first of 3 consecutive G bases (chr17:17,216,492-17,216,494); deleting any one gives the same sequence. VCF-style (leftmost placement, unchanged base first): chr17-17216491-CG-C. GRCh37 (hg19) VCF-style: chr17-17119805-CG-C.
Other names: c.1188del (LRG_325t1, NM_144997.5); c.1242del, p.Val415fs (NM_001353229.2); c.1188del, p.Val397fs (NM_001353230.2, NM_001353231.2); short protein forms V397fs, V415fs.
Identifiers: ClinVar variation 618131 (VCV000618131.16), dbSNP rs1567809782, ClinGen allele CA913191027.

ClinVar aggregate classification (germline): Pathogenic. Review status: criteria provided, multiple submitters, no conflicts (2 of 4 stars). 3 submissions from 3 submitters: Pathogenic (3). Last evaluated 2019-01-28.

Conditions:
Hereditary cancer-predisposing syndrome. Also called: Tumor predisposition; Neoplastic Syndromes, Hereditary; Hereditary Cancer Syndrome; Hereditary neoplastic syndrome. Identifiers: Orphanet 140162, MedGen C0027672, MeSH D009386, MONDO:0015356.
Birt-Hogg-Dube syndrome. Also called: Birt Hogg Dubé syndrome. Identifiers: Orphanet 122, MedGen C0346010, MONDO:0800444.

Submissions (3):

Labcorp Genetics (formerly Invitae), Labcorp
Classification: Pathogenic for Birt-Hogg-Dube syndrome. Last evaluated: 2019-01-28. Review status: criteria provided, single submitter. Criteria: Invitae Variant Classification Sherloc (09022015). Collection method: clinical testing. Allele origin: germline.
Comment: Loss-of-function variants in FLCN are known to be pathogenic (PMID: 15852235). For these reasons, this variant has been classified as Pathogenic. This variant has not been reported in the literature in individuals with FLCN-related conditions. This variant is not present in population databases (ExAC no frequency). This sequence change creates a premature translational stop signal (p.Val397Trpfs*71) in the FLCN gene. It is expected to result in an absent or disrupted protein product.

Ambry Genetics
Classification: Pathogenic for Hereditary cancer-predisposing syndrome. Last evaluated: 2018-12-21. Review status: criteria provided, single submitter. Criteria: Ambry Variant Classification Scheme 2023. Collection method: clinical testing. Allele origin: germline.
Comment: The c.1188delC pathogenic mutation, located in coding exon 8 of the FLCN gene, results from a deletion of one nucleotide at nucleotide position 1188, causing a translational frameshift with a predicted alternate stop codon (p.V397Wfs*71). This alteration is expected to result in loss of function by premature protein truncation or nonsense-mediated mRNA decay. As such, this alteration is interpreted as a disease-causing mutation.

ARUP Laboratories, Molecular Genetics and Genomics, ARUP Laboratories
Classification: Pathogenic. Last evaluated: 2018-08-20. Review status: criteria provided, single submitter. Criteria: ARUP Molecular Germline Variant Investigation Process. Collection method: clinical testing. Allele origin: germline.
Comment: The FLCN c.1188delC; p.Val397fs variant, to our knowledge, is not reported in the medical literature or gene specific databases. This variant is also absent from the general population databases (1000 Genomes Project, Exome Variant Server, and Genome Aggregation Database), indicating it is not a common polymorphism. This variant causes a frameshift by deleting a single nucleotide, so it is predicted to result in a truncated protein or mRNA subject to nonsense-mediated decay. Based on available information, this variant is considered to be pathogenic.

Literature cited by the submitters: PubMed 15852235 (cited by Labcorp Genetics (formerly Invitae), Labcorp).